The following is an entry in ClinVar:

NM_000203.5(IDUA):c.1152G>C (p.Lys384Asn)

Gene: IDUA (alpha-L-iduronidase; plus strand). Cytogenetic location: 4p16.3.
Variant type: single nucleotide variant.
Coding change: c.1152G>C on transcript NM_000203.5 (MANE Select); coding-DNA position 1152, G replaced by C.
Protein change: p.Lys384Asn; replaces lysine 384 with asparagine.
Molecular consequence: missense variant. On other transcripts: non-coding transcript variant (1).
Genome position (GRCh38, 1-based): chr4:1,002,448, G>C. VCF-style: chr4-1002448-G-C. GRCh37 (hg19) VCF-style: chr4-996236-G-C.
Other names: NM_000203.5(IDUA):c.1152G>C; p.Lys384Asn; c.756G>C, p.Lys252Asn (NM_001363576.1); short protein forms K384N, K252N.
Identifiers: ClinVar variation 1384361 (VCV001384361.7), dbSNP rs1244370377, ClinGen allele CA355963434.
Genomic context (GRCh38, chr4:1,002,448, plus strand): 5'-GCTCACCGCGCGCTTCCAGGTCAACAACACCCGCCCGCCGCACGTGCAGCTGTTGCGCAA[G>C]CCGGTGCTCACGGCCATGGGGCTGCTGGCGCTGCTGGGTGAGCCGGGGCCGCTGGGGTGG-3'
Protein context (NP_000194.2, residues 374-394): TRPPHVQLLR[Lys384Asn]PVLTAMGLLA

ClinVar aggregate classification (germline): Uncertain significance. Review status: reviewed by expert panel (3 of 4 stars). 2 submissions from 2 submitters: Uncertain significance (1). 1 of the submissions does not count toward it. Last evaluated 2024-12-06.

Conditions:
Mucopolysaccharidosis type 1. Also called: Mucopolysaccharidosis Type I; IDUA deficiency; MPS I. Identifiers: Orphanet 579, MedGen C0023786, MONDO:0001586.

Submissions (2):

ClinGen Lysosomal Storage Disorder Variant Curation Expert Panel
Classification: Uncertain significance for Mucopolysaccharidosis type 1. Last evaluated: 2024-12-06. Review status: reviewed by expert panel. Criteria: ClinGen LSD ACMG Specifications IDUA V1.0.0. Collection method: curation. Allele origin: germline. Inheritance: Autosomal recessive inheritance.
Comment: The NM_000203.5:c.1152G>C variant in IDUA is predicted to result in a missense substitution, p.Lys384Asn. To our knowledge, this variant has not been reported in the literature. To our knowledge, this variant has not been reported in the literature. However, one patient, reported to have MPS1 and elevated urine GAGs, has been identified by a clinical diagnostic laboratory (data is insufficient to meet PP4). This patient is compound heterozygous for the variant and a variant that has been classified as pathogenic by the ClinGen Lysosomal Diseases VCEP, p.Gly51Asp; phase not confirmed (PM3_Supporting). The variant is absent in gnomAD v4.1.0. (PM2_Supporting). The computational predictor REVEL gives a score of 0.853 which is above the threshold of 0.773, evidence that correlates with impact to IDUA function at the moderate level based on the specifications of the ClinGen Lysosomal Diseases VCEP (PMID: 36413997) (PP3_Moderate). The is a ClinVar entry for this variant (Variation ID: 1384361). In summary, this variant meets the criteria to be classified as a variant of uncertain significance. IDUA-specific ACMG/AMP criteria applied, as specified by the ClinGen Lysosomal Diseases Variant Curation Expert Panel (Specifications Version 1.0.0): PP3_Moderate, PM2_Supporting, PM3_Supporting. (Classification approved by the ClinGen Lysosomal Diseases Variant Curation Expert Panel on December 6, 2024)

Labcorp Genetics (formerly Invitae), Labcorp
Classification: Uncertain significance for Mucopolysaccharidosis type 1. Last evaluated: 2021-10-03. Review status: criteria provided, single submitter. Criteria: Invitae Variant Classification Sherloc (09022015). Collection method: clinical testing. Allele origin: germline. Not counted in ClinVar's aggregate classification.
Comment: This sequence change replaces lysine with asparagine at codon 384 of the IDUA protein (p.Lys384Asn). The lysine residue is highly conserved and there is a moderate physicochemical difference between lysine and asparagine. This variant is not present in population databases (ExAC no frequency). This variant has not been reported in the literature in individuals affected with IDUA-related conditions. Advanced modeling of protein sequence and biophysical properties (such as structural, functional, and spatial information, amino acid conservation, physicochemical variation, residue mobility, and thermodynamic stability) performed at Invitae indicates that this missense variant is expected to disrupt IDUA protein function. In summary, the available evidence is currently insufficient to determine the role of this variant in disease. Therefore, it has been classified as a Variant of Uncertain Significance.